The following is an entry in ClinVar:

NM_005591.4(MRE11):c.858G>C (p.Leu286Phe)

Gene: MRE11 (MRE11 double strand break repair nuclease; minus strand). Cytogenetic location: 11q21.
Variant type: single nucleotide variant.
Coding change: c.858G>C on transcript NM_005591.4 (MANE Select); coding-DNA position 858, G replaced by C.
Protein change: p.Leu286Phe; replaces leucine 286 with phenylalanine.
Molecular consequence: missense variant.
Genome position (GRCh38, 1-based): chr11:94,470,630, C>G on the plus strand (G>C on the coding strand, the complement: MRE11 is on the minus strand). VCF-style: chr11-94470630-C-G. GRCh37 (hg19) VCF-style: chr11-94203796-C-G.
Other names: c.858G>C, p.Leu286Phe (NM_001330347.2, NM_005590.4); short protein forms L286F.
Identifiers: ClinVar variation 822581 (VCV000822581.4), dbSNP rs1264079003, ClinGen allele CA382374852.

ClinVar aggregate classification (germline): Uncertain significance (1 of 4 stars; one submission).

Conditions:
Hereditary cancer-predisposing syndrome. Also called: Tumor predisposition; Hereditary Cancer Syndrome; Neoplastic Syndromes, Hereditary; Hereditary neoplastic syndrome. Identifiers: Orphanet 140162, MedGen C0027672, MeSH D009386, MONDO:0015356.

Submission:

Ambry Genetics
Classification: Uncertain significance for Hereditary cancer-predisposing syndrome. Last evaluated: 2018-09-29. Review status: criteria provided, single submitter. Criteria: Ambry Variant Classification Scheme 2023. Collection method: clinical testing. Allele origin: germline.
Comment: The p.L286F variant (also known as c.858G>C), located in coding exon 8 of the MRE11A gene, results from a G to C substitution at nucleotide position 858. The leucine at codon 286 is replaced by phenylalanine, an amino acid with highly similar properties. This amino acid position is highly conserved in available vertebrate species. In addition, the in silico prediction for this alteration is inconclusive. Since supporting evidence is limited at this time, the clinical significance of this alteration remains unclear.